The following is an entry in ClinVar:

ClinVar aggregate classification (germline): Conflicting classifications of pathogenicity. Review status: criteria provided, conflicting classifications (1 of 4 stars). 5 submissions from 5 submitters: Uncertain significance (2); Likely benign (2). 1 of the submissions does not count toward it. Last evaluated 2025-07-29.

Conditions:
Joubert syndrome 6 (JBTS6). Identifiers: Orphanet 475, MedGen C1853153, MONDO:0012539, OMIM 610688.
RHYNS syndrome. Also called: RETINITIS PIGMENTOSA SYNDROME; RETINITIS PIGMENTOSA, HYPOPITUITARISM, NEPHRONOPHTHISIS, AND MILD SKELETAL DYSPLASIA. Identifiers: Orphanet 140976, MedGen C1865794, MONDO:0011202, OMIM 602152.
Meckel syndrome, type 3 (MKS3). Also called: MECKEL-GRUBER SYNDROME, TYPE 3. Identifiers: Orphanet 564, MedGen C1846357, MONDO:0011821, OMIM 607361.
COACH syndrome 1. Identifiers: Orphanet 1454, MedGen C5435651, MONDO:0800103, OMIM 216360, MONDO:0008996.
Bardet-Biedl syndrome 14 (BBS14). Identifiers: Orphanet 110, MedGen C2673874, MONDO:0014442, OMIM 615991.
Nephronophthisis 11 (NPHP11). Identifiers: Orphanet 84081, MedGen C3150796, MONDO:0013302, OMIM 613550.
TMEM67-related disorder. Also called: TMEM67-related disorders; TMEM67-related condition. Identifiers: MedGen CN239423.
Inborn genetic diseases. Identifiers: MedGen C0950123, MeSH D030342.
Joubert syndrome. Also called: JOUBERT-BOLTSHAUSER SYNDROME; Familial aplasia of the vermis. Identifiers: Orphanet 475, MedGen C5979921, MONDO:0018772.
Meckel-Gruber syndrome. Also called: DYSENCEPHALIA SPLANCHNOCYSTICA; GRUBER SYNDROME; Dysencephalia splachnocystica. Identifiers: Orphanet 564, MedGen C0265215, MONDO:0018921.

Allele frequency attached by ClinVar (database versions not stated): 1000 Genomes Project 0.00020; ESP Exome Variant Server 0.00023; TOPMed 0.00029; 1000 Genomes Project 30x 0.00031.
gnomAD v4.1: 63 of 1,613,472 alleles (0.0039%); highest among the groups gnomAD compares: African/African-American, 0.06%; no homozygotes.

Submissions (5):

Labcorp Genetics (formerly Invitae), Labcorp
Classification: Likely benign for Joubert syndrome; Meckel-Gruber syndrome. Last evaluated: 2025-07-29. Review status: criteria provided, single submitter. Criteria: Invitae Variant Classification Sherloc (09022015). Collection method: clinical testing. Allele origin: germline.

Blueprint Genetics
Classification: Likely benign. Last evaluated: 2024-09-17. Review status: criteria provided, single submitter. Criteria: ACMG Guidelines, 2015. Collection method: clinical testing. Allele origin: germline.

Ambry Genetics
Classification: Uncertain significance for Inborn genetic diseases. Last evaluated: 2024-08-19. Review status: criteria provided, single submitter. Criteria: Ambry Variant Classification Scheme 2023. Collection method: clinical testing. Allele origin: germline.

Fulgent Genetics
Classification: Uncertain significance for COACH syndrome 1; RHYNS syndrome; Meckel syndrome, type 3; Joubert syndrome 6; Nephronophthisis 11; Bardet-Biedl syndrome 14. Last evaluated: 2024-05-20. Review status: criteria provided, single submitter. Criteria: ACMG Guidelines, 2015. Collection method: clinical testing. Allele origin: germline.

PreventionGenetics, part of Exact Sciences
Classification: Uncertain significance for TMEM67-related condition. Last evaluated: 2024-07-23. Review status: no assertion criteria provided. Collection method: clinical testing. Allele origin: germline. Not counted in ClinVar's aggregate classification.
Comment: The TMEM67 c.1822C>G variant is predicted to result in the amino acid substitution p.Arg608Gly. To our knowledge, this variant has not been reported in the literature. This variant is reported in 0.084% of alleles in individuals of African descent in gnomAD, which may be too common to be an unreported cause of disease. Although we suspect that this variant may be benign, at this time, the clinical significance of this variant is uncertain due to the absence of conclusive functional and genetic evidence.

NM_153704.6(TMEM67):c.1822C>G (p.Arg608Gly)

Gene: TMEM67 (transmembrane protein 67; plus strand). Cytogenetic location: 8q22.1.
Variant type: single nucleotide variant.
Coding change: c.1822C>G on transcript NM_153704.6 (MANE Select); coding-DNA position 1822, C replaced by G.
Protein change: p.Arg608Gly; replaces arginine 608 with glycine.
Molecular consequence: missense variant. On other transcripts: non-coding transcript variant (1).
Genome position (GRCh38, 1-based): chr8:93,795,949, C>G. VCF-style: chr8-93795949-C-G. GRCh37 (hg19) VCF-style: chr8-94808177-C-G.
Other names: c.1579C>G, p.Arg527Gly (NM_001142301.1); short protein forms R608G, R527G.
Identifiers: ClinVar variation 844615 (VCV000844615.14), dbSNP rs142283122, ClinGen allele CA4808110.
Genomic context (GRCh38, chr8:93,795,949, plus strand): 5'-TTTTTATTATAGGCACAGAAGTCTGTGTCTGTTTTGCTGCCAATGCCAATTCAGGAAGAA[C>G]GTTTTGTCACTTATGTTGGATGTGCCTTTGCTCTGAAGGTAAGTTTTAAAGGACAGGTTA-3'
Protein context (NP_714915.3, residues 598-618): VLLPMPIQEE[Arg608Gly]FVTYVGCAFA